The following is an entry in ClinVar:

ClinVar aggregate classification (germline): Uncertain significance (1 of 4 stars; one submission).

Conditions:
Glycine encephalopathy. Also called: Non-ketotic hyperglycinemia; Nonketotic hyperglycinemia. Identifiers: Orphanet 407, MedGen C0751748, MONDO:0011612, HP:0008288.

Submission:

Labcorp Genetics (formerly Invitae), Labcorp
Classification: Uncertain significance for Glycine encephalopathy. Last evaluated: 2020-12-20. Review status: criteria provided, single submitter. Criteria: Invitae Variant Classification Sherloc (09022015). Collection method: clinical testing. Allele origin: germline.
Comment: In summary, the available evidence is currently insufficient to determine the role of this variant in disease. Therefore, it has been classified as a Variant of Uncertain Significance. Advanced modeling of protein sequence and biophysical properties (such as structural, functional, and spatial information, amino acid conservation, physicochemical variation, residue mobility, and thermodynamic stability) performed at Invitae indicates that this missense variant is not expected to disrupt AMT protein function. This variant has not been reported in the literature in individuals with AMT-related conditions. This variant is not present in population databases (ExAC no frequency). This sequence change replaces proline with serine at codon 25 of the AMT protein (p.Pro25Ser). The proline residue is weakly conserved and there is a moderate physicochemical difference between proline and serine.

NM_000481.4(AMT):c.73C>T (p.Pro25Ser)

Genes: AMT (aminomethyltransferase; minus strand), NICN1 (nicolin 1, tubulin polyglutamylase complex subunit; minus strand). Cytogenetic location: 3p21.31.
Variant type: single nucleotide variant.
Coding change: c.73C>T on transcript NM_000481.4 (MANE Select); coding-DNA position 73, C replaced by T.
Protein change: p.Pro25Ser; replaces proline 25 with serine.
Molecular consequence: missense variant. On other transcripts: non-coding transcript variant (1), 3 prime UTR variant (1).
Genome position (GRCh38, 1-based): chr3:49,422,378, G>A on the plus strand (C>T on the coding strand, the complement: AMT is on the minus strand). VCF-style: chr3-49422378-G-A. GRCh37 (hg19) VCF-style: chr3-49459811-G-A.
Other names: c.73C>T, p.Pro25Ser (NM_001164710.2, NM_001164711.2, NM_001164712.2); c.*2455C>T (NM_032316.3); short protein forms P25S.
Identifiers: ClinVar variation 1485479 (VCV001485479.8), dbSNP rs751869343, ClinGen allele CA352791407.